The following is an entry in ClinVar:

NM_001267550.2(TTN):c.68654C>T (p.Ser22885Leu)

Genes: TTN-AS1 (TTN antisense RNA 1; plus strand), TTN (titin; minus strand). Cytogenetic location: 2q31.2.
Variant type: single nucleotide variant.
Coding change: c.68654C>T on transcript NM_001267550.2 (MANE Select); coding-DNA position 68654, C replaced by T.
Protein change: p.Ser22885Leu; replaces serine 22885 with leucine.
Molecular consequence: missense variant.
Genome position (GRCh38, 1-based): chr2:178,577,772, G>A on the plus strand (C>T on the coding strand, the complement: TTN is on the minus strand). VCF-style: chr2-178577772-G-A. GRCh37 (hg19) VCF-style: chr2-179442499-G-A.
Other names: c.60950C>T, p.Ser20317Leu (NM_133378.4); c.63731C>T, p.Ser21244Leu (NM_001256850.1); c.41459C>T, p.Ser13820Leu (NM_003319.4); c.41834C>T, p.Ser13945Leu (NM_133432.3); c.42035C>T, p.Ser14012Leu (NM_133437.4); short protein forms S20317L, S22885L, S13945L, S21244L, S13820L, S14012L.
Identifiers: ClinVar variation 165867 (VCV000165867.9), dbSNP rs376574861, ClinGen allele CA178553.

ClinVar aggregate classification (germline): Uncertain significance (1 of 4 stars; one submission).

Allele frequency attached by ClinVar (database versions not stated): gnomAD below 0.00001 and 0.00001; ExAC 0.00002; gnomAD exomes 0.00002; TOPMed 0.00002; ESP Exome Variant Server 0.00008.
gnomAD v4.1: 16 of 1,613,116 alleles (0.00099%); highest among the groups gnomAD compares: South Asian, 0.0099%; no homozygotes.

Submission:

Laboratory for Molecular Medicine, Mass General Brigham Personalized Medicine
Classification: Uncertain significance. Last evaluated: 2013-04-05. Review status: criteria provided, single submitter. Criteria: LMM Criteria. Collection method: clinical testing. Allele origin: germline. Observed: 1 variant allele.
Comment: The Ser20317Leu variant in TTN has not been reported in individuals with cardiom yopathy, but has been identified in 1/3838 African American chromosomes by the N HLBI Exome Sequencing Project. Computational analyses (biochemical amino acid properties, AlignGVGD, and SIFT) do not provide strong support for or against an impact to the protein. Additional studies are needed to fully assess the clinical significance of this variant.